The following is an entry in ClinVar:

ClinVar aggregate classification (germline): Conflicting classifications of pathogenicity. Review status: criteria provided, conflicting classifications (1 of 4 stars). 3 submissions from 3 submitters: Uncertain significance (1); Likely benign (2). Last evaluated 2026-01-12.

Conditions:
Sialuria. Also called: Sialic Acid Storage Disease; SIALURIA, FRENCH TYPE. Identifiers: Orphanet 3166, MedGen C0342853, MONDO:0010028, OMIM 269921.
GNE myopathy (NM). Also called: NONAKA DISTAL MYOPATHY; MYOPATHY, DISTAL, WITH OR WITHOUT RIMMED VACUOLES; INCLUSION BODY MYOPATHY, HEREDITARY, AUTOSOMAL RECESSIVE; INCLUSION BODY MYOPATHY 2, AUTOSOMAL RECESSIVE; IBM 2; Inclusion body myopathy autosomal recessive. Identifiers: Orphanet 602, MedGen C1853926, MONDO:0011603, OMIM 605820.

Allele frequency attached by ClinVar (database versions not stated): ExAC 0.00002; gnomAD 0.00003 and 0.00004; gnomAD exomes 0.00001 and 0.00005; TOPMed 0.00005.
gnomAD v4.1: 25 of 1,611,324 alleles (0.0016%); highest among the groups gnomAD compares: East Asian, 0.049%; no homozygotes.

Submissions (3):

Labcorp Genetics (formerly Invitae), Labcorp
Classification: Likely benign for Sialuria; GNE myopathy. Last evaluated: 2026-01-12. Review status: criteria provided, single submitter. Criteria: Invitae Variant Classification Sherloc (09022015). Collection method: clinical testing. Allele origin: germline.

Mayo Clinic Laboratories, Mayo Clinic
Classification: Likely benign. Last evaluated: 2025-01-27. Review status: criteria provided, single submitter. Criteria: ACMG Guidelines, 2015. Collection method: clinical testing. Allele origin: germline. Observed: 1 variant allele.
Comment: BP4, PM2_supporting

Eurofins Ntd Llc (ga)
Classification: Uncertain significance. Last evaluated: 2017-05-05. Review status: criteria provided, single submitter. Criteria: EGL Classification Definitions 2015. Collection method: clinical testing. Allele origin: germline. Observed: 1 variant allele, 1 heterozygote.

NM_005476.7(GNE):c.1020A>G (p.Gln340=)

Gene: GNE (glucosamine (UDP-N-acetyl)-2-epimerase/N-acetylmannosamine kinase; minus strand). Cytogenetic location: 9p13.3.
Variant type: single nucleotide variant.
Coding change: c.1020A>G on transcript NM_005476.7 (MANE Select); coding-DNA position 1020, A replaced by G.
Protein change: p.Gln340=; no amino-acid change (glutamine 340 retained).
Molecular consequence: synonymous variant.
Genome position (GRCh38, 1-based): chr9:36,229,071, T>C on the plus strand (A>G on the coding strand, the complement: GNE is on the minus strand). VCF-style: chr9-36229071-T-C. GRCh37 (hg19) VCF-style: chr9-36229068-T-C.
Other names: p.Gln371=; c.1113A>G, p.Gln371= (NM_001128227.3); c.1020A>G, p.Gln340= (NM_001190383.3); c.690A>G, p.Gln230= (NM_001190384.3); c.843A>G, p.Gln281= (NM_001190388.2, NM_001374798.1); c.867A>G, p.Gln289= (NM_001374797.1).
Identifiers: ClinVar variation 501738 (VCV000501738.16), dbSNP rs747807631, ClinGen allele CA5056598.